The following is an entry in ClinVar:

ClinVar aggregate classification (germline): Uncertain significance (1 of 4 stars; one submission).

Conditions:
Nephronophthisis. Also called: Juvenile Nephronophthisis. Identifiers: Orphanet 655, MedGen C0687120, MONDO:0019005, HP:0000090.
Jeune thoracic dystrophy. Also called: Jeune syndrome; Infantile thoracic dystrophy; Thoracic pelvic phalangeal dystrophy; Jeune's syndrome; Chondroectodermal dysplasia-like syndrome; Short-rib thoracic dysplasia. Identifiers: Orphanet 474, MedGen C0265275, MONDO:0018770.

Allele frequency attached by ClinVar (database versions not stated): gnomAD 0.00001; ExAC 0.00002.
gnomAD v4.1: 13 of 1,614,032 alleles (0.00081%); highest among the groups gnomAD compares: South Asian, 0.013%; no homozygotes.

Submission:

Labcorp Genetics (formerly Invitae), Labcorp
Classification: Uncertain significance for Jeune thoracic dystrophy; Nephronophthisis. Last evaluated: 2022-04-03. Review status: criteria provided, single submitter. Criteria: Invitae Variant Classification Sherloc (09022015). Collection method: clinical testing. Allele origin: germline.
Comment: Algorithms developed to predict the effect of missense changes on protein structure and function are either unavailable or do not agree on the potential impact of this missense change (SIFT: "Tolerated"; PolyPhen-2: "Probably Damaging"; Align-GVGD: "Class C0"). This variant has not been reported in the literature in individuals affected with TTC21B-related conditions. This variant is present in population databases (rs771639663, gnomAD 0.01%). This sequence change replaces tyrosine, which is neutral and polar, with cysteine, which is neutral and slightly polar, at codon 907 of the TTC21B protein (p.Tyr907Cys). In summary, the available evidence is currently insufficient to determine the role of this variant in disease. Therefore, it has been classified as a Variant of Uncertain Significance.

NM_024753.5(TTC21B):c.2720A>G (p.Tyr907Cys)

Gene: TTC21B (tetratricopeptide repeat domain 21B; minus strand). Cytogenetic location: 2q24.3.
Variant type: single nucleotide variant.
Coding change: c.2720A>G on transcript NM_024753.5 (MANE Select); coding-DNA position 2720, A replaced by G.
Protein change: p.Tyr907Cys; replaces tyrosine 907 with cysteine.
Molecular consequence: missense variant.
Genome position (GRCh38, 1-based): chr2:165,901,759, T>C on the plus strand (A>G on the coding strand, the complement: TTC21B is on the minus strand). VCF-style: chr2-165901759-T-C. GRCh37 (hg19) VCF-style: chr2-166758269-T-C.
Other names: short protein forms Y907C.
Identifiers: ClinVar variation 2159723 (VCV002159723.4), dbSNP rs771639663, ClinGen allele CA1941748.